The following is an entry in ClinVar:

ClinVar aggregate classification (germline): Uncertain significance (1 of 4 stars; one submission).

Conditions:
Microcephaly, normal intelligence and immunodeficiency (NBS). Also called: IMMUNODEFICIENCY, MICROCEPHALY, AND CHROMOSOMAL INSTABILITY; Immunodeficiency, microcephaly with normal intelligence; SEEMANOVA SYNDROME II; Ataxia telangiectasia variant V1; Microcephaly with normal intelligence immunodeficiency and lymphoreticular malignancies; Nonsyndromal microcephaly autosomal recessive with normal intelligence. Identifiers: Orphanet 647, MedGen C0398791, MONDO:0009623, OMIM 251260.

Submission:

Labcorp Genetics (formerly Invitae), Labcorp
Classification: Uncertain significance for Microcephaly, normal intelligence and immunodeficiency. Last evaluated: 2018-09-30. Review status: criteria provided, single submitter. Criteria: Invitae Variant Classification Sherloc (09022015). Collection method: clinical testing. Allele origin: germline.
Comment: This sequence change replaces asparagine with aspartic acid at codon 142 of the NBN protein (p.Asn142Asp). The asparagine residue is weakly conserved and there is a small physicochemical difference between asparagine and aspartic acid. This variant is not present in population databases (ExAC no frequency). This variant has not been reported in the literature in individuals with NBN-related disease. Algorithms developed to predict the effect of missense changes on protein structure and function (SIFT, PolyPhen-2, Align-GVGD) all suggest that this variant is likely to be tolerated, but these predictions have not been confirmed by published functional studies and their clinical significance is uncertain. In summary, the available evidence is currently insufficient to determine the role of this variant in disease. Therefore, it has been classified as a Variant of Uncertain Significance.

NM_002485.5(NBN):c.424A>G (p.Asn142Asp)

Gene: NBN (nibrin; minus strand). Cytogenetic location: 8q21.3.
Variant type: single nucleotide variant.
Coding change: c.424A>G on transcript NM_002485.5 (MANE Select); coding-DNA position 424, A replaced by G.
Protein change: p.Asn142Asp; replaces asparagine 142 with aspartic acid.
Molecular consequence: missense variant.
Genome position (GRCh38, 1-based): chr8:89,980,790, T>C on the plus strand (A>G on the coding strand, the complement: NBN is on the minus strand). VCF-style: chr8-89980790-T-C. GRCh37 (hg19) VCF-style: chr8-90993018-T-C.
Other names: c.178A>G, p.Asn60Asp (NM_001024688.3); short protein forms N60D, N142D.
Identifiers: ClinVar variation 641511 (VCV000641511.8), dbSNP rs1586106848, ClinGen allele CA371661748.
Genomic context (GRCh38, chr8:89,980,790, plus strand): 5'-CTACTTTAATGGTAACTTTCACTGATACCATGACAAGGTGAGTGCATTCTTCTGTCCAAT[T>C]GTTTACAGTAAATCCTCCAAGTTGCAATATAGCTTGATTTAAAGCAGTTTTCCCAGAGAC-3'
Protein context (NP_002476.2, residues 132-152): ILQLGGFTVN[Asn142Asp]WTEECTHLVM